The following is an entry in ClinVar:

ClinVar aggregate classification (germline): Pathogenic/Likely pathogenic. Review status: criteria provided, multiple submitters, no conflicts (2 of 4 stars). 8 submissions from 8 submitters: Pathogenic (1); Likely pathogenic (7). Last evaluated 2025-11-05.

Conditions:
Age related macular degeneration 2. Also called: MACULAR DEGENERATION, SENILE; MACULOPATHY, AGE-RELATED, 2; MACULOPATHY, AGE-RELATED. Identifiers: MedGen C3495438, MONDO:0007932, OMIM 153800.
Severe early-childhood-onset retinal dystrophy (STGD1). Also called: STGD; Stargardt macular dystrophy; Juvenile onset macular degeneration; Stargardt disease 1; MACULAR DYSTROPHY WITH FLECKS, TYPE 1. Identifiers: Orphanet 364055, Orphanet 827, MedGen C1855465, MeSH D000080362, MONDO:0009549, OMIM 248200.
Retinitis pigmentosa 19 (RP19). Also called: ABCA4-Related Retinitis Pigmentosa. Identifiers: Orphanet 791, MedGen C1866422, MONDO:0011137, OMIM 601718.
Cone-rod dystrophy 3 (CORD3). Identifiers: Orphanet 1872, MedGen C1858806, MONDO:0011395, OMIM 604116.
ABCA4-related disorder. Also called: ABCA4-related disorders; ABCA4-related condition. Identifiers: MedGen CN239167.
Retinal dystrophy. Also called: Inherited retinal dystrophy. Identifiers: Orphanet 71862, MedGen C0854723, MeSH D058499, MONDO:0019118, HP:0000556.

Allele frequency attached by ClinVar (database versions not stated): TOPMed 0.00001; gnomAD 0.00001; ExAC 0.00002; ESP Exome Variant Server 0.00008; gnomAD exomes 0.00001.
gnomAD v4.1: 7 of 1,613,972 alleles (0.00043%); highest among the groups gnomAD compares: Non-Finnish European, 0.00051%; no homozygotes.

Submissions (8):

Labcorp Genetics (formerly Invitae), Labcorp
Classification: Pathogenic. Last evaluated: 2025-11-05. Review status: criteria provided, single submitter. Criteria: Invitae Variant Classification Sherloc (09022015). Collection method: clinical testing. Allele origin: germline.
Comment: This sequence change replaces tyrosine, which is neutral and polar, with asparagine, which is neutral and polar, at codon 1858 of the ABCA4 protein (p.Tyr1858Asn). This variant is present in population databases (rs371489809, gnomAD 0.002%). This missense change has been observed in individual(s) with Stargardt disease (PMID: 28446513; internal data). In at least one individual the data is consistent with being in trans (on the opposite chromosome) from a pathogenic variant. ClinVar contains an entry for this variant (Variation ID: 377406). Invitae Evidence Modeling of protein sequence and biophysical properties (such as structural, functional, and spatial information, amino acid conservation, physicochemical variation, residue mobility, and thermodynamic stability) indicates that this missense variant is expected to disrupt ABCA4 protein function with a positive predictive value of 95%. For these reasons, this variant has been classified as Pathogenic.

PreventionGenetics, part of Exact Sciences
Classification: Likely pathogenic for ABCA4-related condition. Last evaluated: 2025-05-12. Review status: criteria provided, single submitter. Criteria: ACMG Guidelines, 2015. Collection method: clinical testing. Allele origin: germline.
Comment: The ABCA4 c.5572T>A variant is predicted to result in the amino acid substitution p.Tyr1858Asn. This variant was reported in individuals with Stargardt disease or ABCA4-related retinal disease (see for examples: Supplementary table S1, Karali et al. 2022. PubMed ID: 36460718; Bianco et al. 2023. PubMed ID: 37498587; Supplementary table 1, Zernant et al. 2017. PubMed ID: 28446513). This variant is reported in 0.0018% of alleles in individuals of European (Non-Finnish) descent in gnomAD. This variant is interpreted as likely pathogenic.

Blueprint Genetics
Classification: Likely pathogenic for ABCA4-related disorders. Last evaluated: 2024-09-18. Review status: criteria provided, single submitter. Criteria: ACMG Guidelines, 2015. Collection method: clinical testing. Allele origin: germline. Affected: yes. Observed: 5 variant alleles.

Institute of Human Genetics, University of Leipzig Medical Center
Classification: Likely pathogenic for Age related macular degeneration 2. Last evaluated: 2023-03-06. Review status: criteria provided, single submitter. Criteria: ACMG Guidelines, 2015. Collection method: clinical testing. Allele origin: unknown. Affected: yes.
Comment: _x000D_ Criteria applied: PM1, PM3, PM5, PM2_SUP, PP3

Institute of Human Genetics, Univ. Regensburg, Univ. Regensburg
Classification: Likely pathogenic for Retinal dystrophy. Last evaluated: 2022-01-01. Review status: criteria provided, single submitter. Criteria: ACMG Guidelines, 2015. Collection method: clinical testing. Allele origin: germline. Affected: yes.

MGZ Medical Genetics Center
Classification: Likely pathogenic for Severe early-childhood-onset retinal dystrophy. Last evaluated: 2021-12-03. Review status: criteria provided, single submitter. Criteria: ACMG Guidelines, 2015. Collection method: clinical testing. Allele origin: germline. Affected: yes. Observed: 1 variant allele.
Comment: ACMG criteria applied: PM3, PM5, PM2_SUP, PP2

Fulgent Genetics
Classification: Likely pathogenic for Age related macular degeneration 2; Severe early-childhood-onset retinal dystrophy; Retinitis pigmentosa 19; Cone-rod dystrophy 3. Last evaluated: 2021-10-13. Review status: criteria provided, single submitter. Criteria: ACMG Guidelines, 2015. Collection method: clinical testing. Allele origin: unknown.

GeneDx
Classification: Likely pathogenic. Last evaluated: 2015-05-07. Review status: criteria provided, single submitter. Criteria: GeneDx Variant Classification (06012015). Collection method: clinical testing. Allele origin: germline. Affected: yes.
Comment: The Y1858N variant that is likely pathogenic in the ABCA4 gene has not been reported as a pathogenic variant nor as a benign polymorphism to our knowledge. The Y1858N was not observed at any significant frequency in approximately 6,500 individuals of European and African American ancestry in the NHLBI ESP Exome Sequencing Project. The Y1858N variant is a semi-conservative amino acid substitution, which may impact secondary protein structure as these residues differ in some properties. This substitution occurs at a position that is conserved across species. In silico analysis is inconsistent in its predictions as to whether or not the variant is damaging to the protein structure/function. In addition, another missense variant, a non-conservative substitution, at this residue (Y1858D) has been reported in association with Stargardt disease (Oldani et al., 2012). Therefore, this variant is a strong candidate for a pathogenic variant; however, the possibility that it is a benign variant cannot be excluded.

Literature cited by the submitters: PubMed 28446513 (cited by Labcorp Genetics (formerly Invitae), Labcorp); PubMed 31589614 (cited by Institute of Human Genetics, Univ. Regensburg, Univ. Regensburg); PubMed 31964843 (cited by Institute of Human Genetics, Univ. Regensburg, Univ. Regensburg); PubMed 36460718 (cited by Institute of Human Genetics, Univ. Regensburg, Univ. Regensburg).

NM_000350.3(ABCA4):c.5572T>A (p.Tyr1858Asn)

Gene: ABCA4 (ATP binding cassette subfamily A member 4; minus strand). Cytogenetic location: 1p22.1.
Variant type: single nucleotide variant.
Coding change: c.5572T>A on transcript NM_000350.3 (MANE Select); coding-DNA position 5572, T replaced by A.
Protein change: p.Tyr1858Asn; replaces tyrosine 1858 with asparagine.
Molecular consequence: missense variant.
Genome position (GRCh38, 1-based): chr1:94,011,274, A>T on the plus strand (T>A on the coding strand, the complement: ABCA4 is on the minus strand). VCF-style: chr1-94011274-A-T. GRCh37 (hg19) VCF-style: chr1-94476830-A-T.
Other names: c.5350T>A, p.Tyr1784Asn (NM_001425324.1); short protein forms Y1858N, Y1784N.
Identifiers: ClinVar variation 377406 (VCV000377406.15), dbSNP rs371489809, ClinGen allele CA957222.